The following is an entry in ClinVar:

ClinVar aggregate classification (germline): Uncertain significance (1 of 4 stars; one submission).

Conditions:
Hereditary cancer-predisposing syndrome. Also called: Neoplastic Syndromes, Hereditary; Tumor predisposition; Hereditary Cancer Syndrome; Hereditary neoplastic syndrome. Identifiers: Orphanet 140162, MedGen C0027672, MeSH D009386, MONDO:0015356.

Submission:

Ambry Genetics
Classification: Uncertain significance for Hereditary cancer-predisposing syndrome. Last evaluated: 2023-12-14. Review status: criteria provided, single submitter. Criteria: Ambry Variant Classification Scheme 2023. Collection method: clinical testing. Allele origin: germline.
Comment: The p.N567K variant (also known as c.1701C>G), located in coding exon 14 of the MRE11A gene, results from a C to G substitution at nucleotide position 1701. The asparagine at codon 567 is replaced by lysine, an amino acid with similar properties. This amino acid position is not well conserved in available vertebrate species. In addition, this alteration is predicted to be tolerated by in silico analysis. Since supporting evidence is limited at this time, the clinical significance of this alteration remains unclear.

NM_005591.4(MRE11):c.1701C>G (p.Asn567Lys)

Gene: MRE11 (MRE11 double strand break repair nuclease; minus strand). Cytogenetic location: 11q21.
Variant type: single nucleotide variant.
Coding change: c.1701C>G on transcript NM_005591.4 (MANE Select); coding-DNA position 1701, C replaced by G.
Protein change: p.Asn567Lys; replaces asparagine 567 with lysine.
Molecular consequence: missense variant.
Genome position (GRCh38, 1-based): chr11:94,447,301, G>C on the plus strand (C>G on the coding strand, the complement: MRE11 is on the minus strand). VCF-style: chr11-94447301-G-C. GRCh37 (hg19) VCF-style: chr11-94180467-G-C.
Other names: c.1701C>G, p.Asn567Lys (NM_001330347.2, NM_005590.4); short protein forms N567K.
Identifiers: ClinVar variation 1800221 (VCV001800221.2), dbSNP rs2496294785, ClinGen allele CA382368296.